The following is an entry in ClinVar:

ClinVar aggregate classification (germline): Likely pathogenic (1 of 4 stars; one submission).

Conditions:
Propionic acidemia (PROP). Also called: GLYCINEMIA, KETOTIC; HYPERGLYCINEMIA WITH KETOACIDOSIS AND LEUKOPENIA; KETOTIC HYPERGLYCINEMIA. Identifiers: Orphanet 35, MedGen C0268579, MONDO:0011628, OMIM 606054, HP:0003571.

gnomAD v4.1: 1 of 1,614,044 alleles (0.000062%); highest among the groups gnomAD compares: South Asian, 0.0011%; no homozygotes.

Submission:

Labcorp Genetics (formerly Invitae), Labcorp
Classification: Likely pathogenic for Propionic acidemia. Last evaluated: 2025-08-11. Review status: criteria provided, single submitter. Criteria: Invitae Variant Classification Sherloc (09022015). Collection method: clinical testing. Allele origin: germline.
Comment: This sequence change affects an acceptor splice site in intron 12 of the PCCA gene. It is expected to disrupt RNA splicing. Variants that disrupt the donor or acceptor splice site typically lead to a loss of protein function (PMID: 16199547), and loss-of-function variants in PCCA are known to be pathogenic (PMID: 15464417). This variant is present in population databases (no rsID available, gnomAD 0.003%). This variant has not been reported in the literature in individuals affected with PCCA-related conditions. Algorithms developed to predict the effect of sequence changes on RNA splicing suggest that this variant may disrupt the consensus splice site. In summary, the currently available evidence indicates that the variant is pathogenic, but additional data are needed to prove that conclusively. Therefore, this variant has been classified as Likely Pathogenic.

Literature cited by the submitters: PubMed 16199547; PubMed 15464417.

NM_000282.4(PCCA):c.1066-1G>T

Gene: PCCA (propionyl-CoA carboxylase subunit alpha; plus strand). Cytogenetic location: 13q32.3.
Variant type: single nucleotide variant.
Coding change: c.1066-1G>T on transcript NM_000282.4 (MANE Select); the canonical splice acceptor site of the intron before coding-DNA position 1066, G replaced by T.
Molecular consequence: splice acceptor variant. On other transcripts: intron variant (3).
Genome position (GRCh38, 1-based): chr13:100,301,459, G>T. VCF-style: chr13-100301459-G-T. GRCh37 (hg19) VCF-style: chr13-100953713-G-T.
Other names: c.1066-1G>T (NM_001178004.2, NM_001352605.2, NM_001352609.2); c.1066-1465G>T (NM_001352606.2); c.121-1G>T (NM_001352610.2, NM_001352611.2); c.121-1465G>T (NM_001352612.2); c.988-1G>T (NM_001127692.3, NM_001352607.2); c.988-1465G>T (NM_001352608.2).
Identifiers: ClinVar variation 4718249 (VCV004718249.1).